The following is an entry in ClinVar:

NM_000075.4(CDK4):c.523-8C>T

Gene: CDK4 (cyclin dependent kinase 4; minus strand). Cytogenetic location: 12q14.1.
Variant type: single nucleotide variant.
Coding change: c.523-8C>T on transcript NM_000075.4 (MANE Select); 8 bases into the intron before coding-DNA position 523, C replaced by T.
Molecular consequence: intron variant.
Genome position (GRCh38, 1-based): chr12:57,750,773, G>A on the plus strand (C>T on the coding strand, the complement: CDK4 is on the minus strand). VCF-style: chr12-57750773-G-A. GRCh37 (hg19) VCF-style: chr12-58144556-G-A.
Identifiers: ClinVar variation 3378872 (VCV003378872.1).

ClinVar aggregate classification (germline): Likely benign (1 of 4 stars; one submission).

Conditions:
Melanoma, cutaneous malignant, susceptibility to, 3. Also called: Cutaneous malignant melanoma 3. Identifiers: Orphanet 618, MedGen C1836892, MONDO:0012183, OMIM 609048.

gnomAD v4.1: 2 of 1,609,212 alleles (0.00012%); highest among the groups gnomAD compares: African/African-American, 0.0013%; no homozygotes.

Submission:

Myriad Genetics, Inc.
Classification: Likely benign for Melanoma, cutaneous malignant, susceptibility to, 3. Last evaluated: 2024-09-26. Review status: criteria provided, single submitter. Criteria: Myriad Autosomal Dominant, Autosomal Recessive and X-Linked Classification Criteria (2023). Collection method: clinical testing. Allele origin: unknown.
Comment: This variant is considered likely benign. This variant is intronic and is not expected to impact mRNA splicing.